The following is an entry in ClinVar:

NM_003896.4(ST3GAL5):c.538G>T (p.Glu180Ter)

Gene: ST3GAL5 (ST3 beta-galactoside alpha-2,3-sialyltransferase 5; minus strand). Cytogenetic location: 2p11.2.
Variant type: single nucleotide variant.
Coding change: c.538G>T on transcript NM_003896.4 (MANE Select); coding-DNA position 538, G replaced by T.
Protein change: p.Glu180Ter; replaces glutamic acid 180 with a stop codon.
Molecular consequence: nonsense. On other transcripts: 5 prime UTR variant (1).
Genome position (GRCh38, 1-based): chr2:85,847,985, C>A on the plus strand (G>T on the coding strand, the complement: ST3GAL5 is on the minus strand). VCF-style: chr2-85847985-C-A. GRCh37 (hg19) VCF-style: chr2-86075108-C-A.
Other names: c.469G>T, p.Glu157Ter (NM_001042437.2); c.154G>T, p.Glu52Ter (NM_001354223.2, NM_001354224.2, NM_001354226.2 and 3 more transcripts); c.454G>T, p.Glu152Ter (NM_001354227.2, NM_001354229.2, NM_001354238.1); c.-367G>T (NM_001354247.1); c.538G>T, p.Glu180Ter (NM_001363847.1); short protein forms E180*, E152*, E157*, E52*.
Identifiers: ClinVar variation 2048837 (VCV002048837.4), dbSNP rs760786924, ClinGen allele CA347532152.

ClinVar aggregate classification (germline): Pathogenic (1 of 4 stars; one submission).

Conditions:
GM3 synthase deficiency (SPDRS). Also called: SALT AND PEPPER MENTAL RETARDATION SYNDROME; SALT AND PEPPER DEVELOPMENTAL REGRESSION SYNDROME; AMISH INFANTILE EPILEPSY SYNDROME. Identifiers: Orphanet 171714, Orphanet 370933, MedGen C1836824, MONDO:0018274, OMIM 609056.

Submission:

Labcorp Genetics (formerly Invitae), Labcorp
Classification: Pathogenic for GM3 synthase deficiency. Last evaluated: 2022-07-06. Review status: criteria provided, single submitter. Criteria: Invitae Variant Classification Sherloc (09022015). Collection method: clinical testing. Allele origin: germline.
Comment: This sequence change creates a premature translational stop signal (p.Glu180*) in the ST3GAL5 gene. It is expected to result in an absent or disrupted protein product. Loss-of-function variants in ST3GAL5 are known to be pathogenic (PMID: 15502825, 22990144, 27232954). This variant is not present in population databases (gnomAD no frequency). This variant has not been reported in the literature in individuals affected with ST3GAL5-related conditions. For these reasons, this variant has been classified as Pathogenic.

Literature cited by the submitters: PubMed 15502825; PubMed 22990144; PubMed 27232954.